The following is an entry in ClinVar:

NM_020699.4(GATAD2B):c.1329G>A (p.Gln443=)

Gene: GATAD2B (GATA zinc finger domain containing 2B; minus strand). Cytogenetic location: 1q21.3.
Variant type: single nucleotide variant.
Coding change: c.1329G>A on transcript NM_020699.4 (MANE Select); coding-DNA position 1329, G replaced by A.
Protein change: p.Gln443=; no amino-acid change (glutamine 443 retained).
Molecular consequence: synonymous variant.
Genome position (GRCh38, 1-based): chr1:153,813,340, C>T on the plus strand (G>A on the coding strand, the complement: GATAD2B is on the minus strand). VCF-style: chr1-153813340-C-T. GRCh37 (hg19) VCF-style: chr1-153785816-C-T.
Identifiers: ClinVar variation 2639362 (VCV002639362.26), dbSNP rs2525238187, ClinGen allele CA420830883.

ClinVar aggregate classification (germline): Likely benign. Review status: criteria provided, multiple submitters, no conflicts (2 of 4 stars). 2 submissions from 2 submitters: Likely benign (2). Last evaluated 2024-09-10.

Submissions (2):

Labcorp Genetics (formerly Invitae), Labcorp
Classification: Likely benign. Last evaluated: 2024-09-10. Review status: criteria provided, single submitter. Criteria: Invitae Variant Classification Sherloc (09022015). Collection method: clinical testing. Allele origin: germline.

CeGaT Center for Human Genetics Tuebingen
Classification: Likely benign. Last evaluated: 2023-08-01. Review status: criteria provided, single submitter. Criteria: CeGaT Center For Human Genetics Tuebingen Variant Classification Criteria Version 2. Collection method: clinical testing. Allele origin: germline. Affected: yes. Observed: 1 variant allele.
Comment: GATAD2B: PM2:Supporting, BP4, BP7